The following is an entry in ClinVar:

ClinVar aggregate classification (germline): Benign (0 of 4 stars; one submission).

Conditions:
SUPT16H-related disorder. Also called: SUPT16H-related condition.

Allele frequency attached by ClinVar (database versions not stated): 1000 Genomes Project 0.01458; 1000 Genomes Project 30x 0.01530; ExAC 0.02199; gnomAD exomes 0.02372; TOPMed 0.02398; gnomAD 0.02499; ESP Exome Variant Server 0.03114.
gnomAD v4.1: 38,201 of 1,612,468 alleles (2.4%); highest among the groups gnomAD compares: African/African-American, 3.4%; 485 homozygotes.

Submissions (14):

PreventionGenetics, part of Exact Sciences
Classification: Benign for SUPT16H-related condition. Last evaluated: 2019-08-14. Review status: no assertion criteria provided. Collection method: clinical testing. Allele origin: germline.
Comment: This variant is classified as benign based on ACMG/AMP sequence variant interpretation guidelines (Richards et al. 2015 PMID: 25741868, with internal and published modifications).

Dr. Peter K. Rogan Lab, Western University
No classification provided (evidence only). Condition: Acute myeloid leukemia. Review status: no classification provided. Collection method: in vitro. Allele origin: not applicable. Functional consequence: retained intron. Not counted in ClinVar's aggregate classification.

Dr. Peter K. Rogan Lab, Western University
No classification provided (evidence only). Condition: Colon adenocarcinoma. Review status: no classification provided. Collection method: in vitro. Allele origin: not applicable. Functional consequence: retained intron. Not counted in ClinVar's aggregate classification.

Dr. Peter K. Rogan Lab, Western University
No classification provided (evidence only). Condition: Cervical cancer. Review status: no classification provided. Collection method: in vitro. Allele origin: not applicable. Functional consequence: retained intron. Not counted in ClinVar's aggregate classification.

Dr. Peter K. Rogan Lab, Western University
No classification provided (evidence only). Condition: Malignant lymphoma, large B-cell, diffuse. Review status: no classification provided. Collection method: in vitro. Allele origin: not applicable. Functional consequence: retained intron. Not counted in ClinVar's aggregate classification.

Dr. Peter K. Rogan Lab, Western University
No classification provided (evidence only). Condition: Hepatocellular carcinoma. Review status: no classification provided. Collection method: in vitro. Allele origin: not applicable. Functional consequence: retained intron. Not counted in ClinVar's aggregate classification.

Dr. Peter K. Rogan Lab, Western University
No classification provided (evidence only). Condition: Gastric cancer. Review status: no classification provided. Collection method: in vitro. Allele origin: not applicable. Functional consequence: retained intron. Not counted in ClinVar's aggregate classification.

Dr. Peter K. Rogan Lab, Western University
No classification provided (evidence only). Condition: Gastric cancer. Review status: no classification provided. Collection method: in vitro. Allele origin: not applicable. Functional consequence: retained intron. Not counted in ClinVar's aggregate classification.

Dr. Peter K. Rogan Lab, Western University
No classification provided (evidence only). Condition: Gastric cancer. Review status: no classification provided. Collection method: in vitro. Allele origin: not applicable. Functional consequence: retained intron. Not counted in ClinVar's aggregate classification.

Dr. Peter K. Rogan Lab, Western University
No classification provided (evidence only). Condition: Gastric cancer. Review status: no classification provided. Collection method: in vitro. Allele origin: not applicable. Functional consequence: retained intron. Not counted in ClinVar's aggregate classification.

Dr. Peter K. Rogan Lab, Western University
No classification provided (evidence only). Condition: Gastric cancer. Review status: no classification provided. Collection method: in vitro. Allele origin: not applicable. Functional consequence: retained intron. Not counted in ClinVar's aggregate classification.

Dr. Peter K. Rogan Lab, Western University
No classification provided (evidence only). Condition: Gastric cancer. Review status: no classification provided. Collection method: in vitro. Allele origin: not applicable. Functional consequence: retained intron. Not counted in ClinVar's aggregate classification.

Dr. Peter K. Rogan Lab, Western University
No classification provided (evidence only). Condition: Malignant tumor of esophagus. Review status: no classification provided. Collection method: in vitro. Allele origin: not applicable. Functional consequence: retained intron. Not counted in ClinVar's aggregate classification.

Dr. Peter K. Rogan Lab, Western University
No classification provided (evidence only). Condition: Malignant tumor of esophagus. Review status: no classification provided. Collection method: in vitro. Allele origin: not applicable. Functional consequence: retained intron. Not counted in ClinVar's aggregate classification.

NM_007192.4(SUPT16H):c.1244C>G (p.Ala415Gly)

Gene: SUPT16H (SPT16 homolog, facilitates chromatin remodeling subunit; minus strand). Cytogenetic location: 14q11.2.
Variant type: single nucleotide variant.
Coding change: c.1244C>G on transcript NM_007192.4 (MANE Select); coding-DNA position 1244, C replaced by G.
Protein change: p.Ala415Gly; replaces alanine 415 with glycine.
Molecular consequence: missense variant.
Genome position (GRCh38, 1-based): chr14:21,363,493, G>C on the plus strand (C>G on the coding strand, the complement: SUPT16H is on the minus strand). VCF-style: chr14-21363493-G-C. GRCh37 (hg19) VCF-style: chr14-21831652-G-C.
Other names: NC_000014.8:g.21831652G>C; short protein forms A415G.
Identifiers: ClinVar variation 3055874 (VCV003055874.3), dbSNP rs61739513, ClinGen allele CA7090139.
Genomic context (GRCh38, chr14:21,363,493, plus strand): 5'-CCTACCTTTAGGAAAATCCCCACATTCTTCACTTTCTTCTTCACAGAAGTGAGAACAGTA[G>C]CTGGGCCATCCTAGAATTAAAAGGAGAATGAAGACACATTATTTAAAAGAGGCAATTTCA-3'
Protein context (NP_009123.1, residues 405-425): DTVLVDEDGP[Ala415Gly]TVLTSVKKKV